The following is an entry in ClinVar:

NM_032608.7(MYO18B):c.1307G>A (p.Gly436Asp)

Gene: MYO18B (myosin XVIIIB; plus strand). Cytogenetic location: 22q12.1.
Variant type: single nucleotide variant.
Coding change: c.1307G>A on transcript NM_032608.7 (MANE Select); coding-DNA position 1307, G replaced by A.
Protein change: p.Gly436Asp; replaces glycine 436 with aspartic acid.
Molecular consequence: missense variant.
Genome position (GRCh38, 1-based): chr22:25,769,223, G>A. VCF-style: chr22-25769223-G-A. GRCh37 (hg19) VCF-style: chr22-26165190-G-A.
Other names: c.1307G>A (NM_032608.5); c.1307G>A, p.Gly436Asp (NM_001318245.2); short protein forms G436D.
Identifiers: ClinVar variation 3003125 (VCV003003125.4), dbSNP rs1246598364, ClinGen allele CA411004583.

ClinVar aggregate classification (germline): Conflicting classifications of pathogenicity. Review status: criteria provided, conflicting classifications (1 of 4 stars). 2 submissions from 2 submitters: Uncertain significance (1); Likely benign (1). Last evaluated 2025-11-20.

Conditions:
Inborn genetic diseases. Identifiers: MedGen C0950123, MeSH D030342.

Allele frequency attached by ClinVar (database versions not stated): gnomAD exomes below 0.00001.
gnomAD v4.1: 1 of 1,603,276 alleles (0.000062%); highest among the groups gnomAD compares: Non-Finnish European, 0.000085%; no homozygotes.

Submissions (2):

Ambry Genetics
Classification: Likely benign for Inborn genetic diseases. Last evaluated: 2025-11-20. Review status: criteria provided, single submitter. Criteria: Ambry Variant Classification Scheme 2023. Collection method: clinical testing. Allele origin: germline.

Labcorp Genetics (formerly Invitae), Labcorp
Classification: Uncertain significance. Last evaluated: 2023-10-05. Review status: criteria provided, single submitter. Criteria: Invitae Variant Classification Sherloc (09022015). Collection method: clinical testing. Allele origin: germline.
Comment: This sequence change replaces glycine, which is neutral and non-polar, with aspartic acid, which is acidic and polar, at codon 436 of the MYO18B protein (p.Gly436Asp). This variant is not present in population databases (gnomAD no frequency). This variant has not been reported in the literature in individuals affected with MYO18B-related conditions. Algorithms developed to predict the effect of missense changes on protein structure and function output the following: SIFT: "Not Available"; PolyPhen-2: "Benign"; Align-GVGD: "Not Available". The aspartic acid amino acid residue is found in multiple mammalian species, which suggests that this missense change does not adversely affect protein function. In summary, the available evidence is currently insufficient to determine the role of this variant in disease. Therefore, it has been classified as a Variant of Uncertain Significance.